The following is an entry in ClinVar:

NM_173596.3(SLC39A5):c.1502C>T (p.Pro501Leu)

Gene: SLC39A5 (solute carrier family 39 member 5; plus strand). Cytogenetic location: 12q13.3.
Variant type: single nucleotide variant.
Coding change: c.1502C>T on transcript NM_173596.3 (MANE Select); coding-DNA position 1502, C replaced by T.
Protein change: p.Pro501Leu; replaces proline 501 with leucine.
Molecular consequence: missense variant.
Genome position (GRCh38, 1-based): chr12:56,237,610, C>T. VCF-style: chr12-56237610-C-T. GRCh37 (hg19) VCF-style: chr12-56631394-C-T.
Other names: c.1502C>T, p.Pro501Leu (NM_001135195.2); short protein forms P501L.
Identifiers: ClinVar variation 4990634 (VCV004990634.1).

ClinVar aggregate classification (germline): Benign (1 of 4 stars; one submission).

Conditions:
SLC39A5-related disorder. Also called: SLC39A5-related condition.

Submission:

PreventionGenetics, part of Exact Sciences
Classification: Benign for SLC39A5-related condition. Last evaluated: 2025-07-15. Review status: criteria provided, single submitter. Criteria: ACMG Guidelines, 2015. Collection method: clinical testing. Allele origin: germline.
Comment: This variant is classified as benign based on ACMG/AMP sequence variant interpretation guidelines (Richards et al. 2015 PMID: 25741868, with internal and published modifications).